The following is an entry in ClinVar:

NM_015338.6(ASXL1):c.793C>T (p.Arg265Cys)

Gene: ASXL1 (ASXL transcriptional regulator 1; plus strand). Cytogenetic location: 20q11.21.
Variant type: single nucleotide variant.
Coding change: c.793C>T on transcript NM_015338.6 (MANE Select); coding-DNA position 793, C replaced by T.
Protein change: p.Arg265Cys; replaces arginine 265 with cysteine.
Molecular consequence: missense variant.
Genome position (GRCh38, 1-based): chr20:32,431,395, C>T. VCF-style: chr20-32431395-C-T. GRCh37 (hg19) VCF-style: chr20-31019198-C-T.
Other names: c.610C>T, p.Arg204Cys (NM_001363734.1); short protein forms R265C, R204C.
Identifiers: ClinVar variation 1920760 (VCV001920760.6), dbSNP rs767144159, ClinGen allele CA408553670.

ClinVar aggregate classification (germline): Uncertain significance. Review status: criteria provided, multiple submitters, no conflicts (2 of 4 stars). 2 submissions from 2 submitters: Uncertain significance (2). Last evaluated 2026-07-19.

Conditions:
Inborn genetic diseases. Identifiers: MedGen C0950123, MeSH D030342.

gnomAD v4.1: 4 of 1,614,208 alleles (0.00025%); highest among the groups gnomAD compares: South Asian, 0.0011%; no homozygotes.

Submissions (2):

Ambry Genetics
Classification: Uncertain significance for Inborn genetic diseases. Last evaluated: 2026-07-19. Review status: criteria provided, single submitter. Criteria: Ambry Variant Classification Scheme 2023. Collection method: clinical testing. Allele origin: germline.
Comment: The c.793C>T (p.R265C) alteration is located in exon 9 (coding exon 9) of the ASXL1 gene. This alteration results from a C to T substitution at nucleotide position 793, causing the arginine (R) at amino acid position 265 to be replaced by a cysteine (C). Based on data from gnomAD, the T allele has an overall frequency of <0.001% (1/251490) total alleles studied. The highest observed frequency was 0.001% (1/113768) of European (non-Finnish) alleles. Based on insufficient or conflicting evidence, the clinical significance of this alteration remains unclear.

Labcorp Genetics (formerly Invitae), Labcorp
Classification: Uncertain significance. Last evaluated: 2022-06-15. Review status: criteria provided, single submitter. Criteria: Invitae Variant Classification Sherloc (09022015). Collection method: clinical testing. Allele origin: germline.
Comment: In summary, the available evidence is currently insufficient to determine the role of this variant in disease. Therefore, it has been classified as a Variant of Uncertain Significance. Algorithms developed to predict the effect of missense changes on protein structure and function (SIFT, PolyPhen-2, Align-GVGD) all suggest that this variant is likely to be disruptive. This variant has not been reported in the literature in individuals affected with ASXL1-related conditions. This variant is present in population databases (no rsID available, gnomAD 0.0009%). This sequence change replaces arginine, which is basic and polar, with cysteine, which is neutral and slightly polar, at codon 265 of the ASXL1 protein (p.Arg265Cys).